The following is an entry in ClinVar:

ClinVar aggregate classification (germline): Conflicting classifications of pathogenicity. Review status: criteria provided, conflicting classifications (1 of 4 stars). 3 submissions from 3 submitters: Uncertain significance (1); Likely benign (2). Last evaluated 2025-12-08.

Conditions:
Branchiootorenal syndrome 2 (BOR2). Identifiers: Orphanet 107, MedGen C1970479, MONDO:0012575, OMIM 610896.

Allele frequency attached by ClinVar (database versions not stated): TOPMed 0.00002; ESP Exome Variant Server 0.00008; ExAC 0.00009.
gnomAD v4.1: 63 of 1,613,224 alleles (0.0039%); highest among the groups gnomAD compares: Admixed American, 0.0067%; no homozygotes.

Submissions (3):

Ambry Genetics
Classification: Likely benign. Last evaluated: 2025-12-08. Review status: criteria provided, single submitter. Criteria: Ambry Variant Classification Scheme 2023. Collection method: clinical testing. Allele origin: germline.

Fulgent Genetics
Classification: Likely benign for Branchiootorenal syndrome 2. Last evaluated: 2024-05-06. Review status: criteria provided, single submitter. Criteria: ACMG Guidelines, 2015. Collection method: clinical testing. Allele origin: germline.

Labcorp Genetics (formerly Invitae), Labcorp
Classification: Uncertain significance. Last evaluated: 2022-06-22. Review status: criteria provided, single submitter. Criteria: Invitae Variant Classification Sherloc (09022015). Collection method: clinical testing. Allele origin: germline.
Comment: This sequence change replaces glutamic acid, which is acidic and polar, with lysine, which is basic and polar, at codon 210 of the SIX5 protein (p.Glu210Lys). This variant is present in population databases (rs368394856, gnomAD 0.009%). This variant has not been reported in the literature in individuals affected with SIX5-related conditions. Algorithms developed to predict the effect of missense changes on protein structure and function are either unavailable or do not agree on the potential impact of this missense change (SIFT: "Deleterious"; PolyPhen-2: "Possibly Damaging"; Align-GVGD: "Class C0"). In summary, the available evidence is currently insufficient to determine the role of this variant in disease. Therefore, it has been classified as a Variant of Uncertain Significance.

NM_175875.5(SIX5):c.628G>A (p.Glu210Lys)

Genes: DM1-AS (DM1 locus antisense RNA; plus strand), SIX5 (SIX homeobox 5; minus strand), LOC107075317 (origin of replication in DMPK trinucleotide repeat region; plus strand). Cytogenetic location: 19q13.32.
Variant type: single nucleotide variant.
Coding change: c.628G>A on transcript NM_175875.5 (MANE Select); coding-DNA position 628, G replaced by A.
Protein change: p.Glu210Lys; replaces glutamic acid 210 with lysine.
Molecular consequence: missense variant.
Genome position (GRCh38, 1-based): chr19:45,768,217, C>T on the plus strand (G>A on the coding strand, the complement: SIX5 is on the minus strand). VCF-style: chr19-45768217-C-T. GRCh37 (hg19) VCF-style: chr19-46271475-C-T.
Other names: c.628G>A (NM_175875.4); short protein forms E210K.
Identifiers: ClinVar variation 1918598 (VCV001918598.7), dbSNP rs368394856, ClinGen allele CA9520804.